The following is an entry in ClinVar:

ClinVar aggregate classification (germline): Uncertain significance (1 of 4 stars; one submission).

Conditions:
Joubert syndrome 14 (JBTS14). Identifiers: MedGen C3280766, MONDO:0013745, OMIM 614424.

Allele frequency attached by ClinVar (database versions not stated): gnomAD 0.00001 and 0.00002; TOPMed 0.00001; gnomAD exomes 0.00002; ExAC 0.00009.

Submission:

Labcorp Genetics (formerly Invitae), Labcorp
Classification: Uncertain significance for Joubert syndrome 14. Last evaluated: 2022-09-07. Review status: criteria provided, single submitter. Criteria: Invitae Variant Classification Sherloc (09022015). Collection method: clinical testing. Allele origin: germline.
Comment: This sequence change replaces alanine, which is neutral and non-polar, with valine, which is neutral and non-polar, at codon 116 of the TMEM237 protein (p.Ala116Val). The frequency data for this variant in the population databases is considered unreliable, as metrics indicate poor data quality at this position in the gnomAD database. This variant has not been reported in the literature in individuals affected with TMEM237-related conditions. ClinVar contains an entry for this variant (Variation ID: 1055555). Algorithms developed to predict the effect of missense changes on protein structure and function output the following: SIFT: "Tolerated"; PolyPhen-2: "Benign"; Align-GVGD: "Class C0". The valine amino acid residue is found in multiple mammalian species, which suggests that this missense change does not adversely affect protein function. In summary, the available evidence is currently insufficient to determine the role of this variant in disease. Therefore, it has been classified as a Variant of Uncertain Significance.

NM_001044385.3(TMEM237):c.347C>T (p.Ala116Val)

Gene: TMEM237 (transmembrane protein 237; minus strand). Cytogenetic location: 2q33.1.
Variant type: single nucleotide variant.
Coding change: c.347C>T on transcript NM_001044385.3 (MANE Select); coding-DNA position 347, C replaced by T.
Protein change: p.Ala116Val; replaces alanine 116 with valine.
Molecular consequence: missense variant.
Genome position (GRCh38, 1-based): chr2:201,633,359, G>A on the plus strand (C>T on the coding strand, the complement: TMEM237 is on the minus strand). VCF-style: chr2-201633359-G-A. GRCh37 (hg19) VCF-style: chr2-202498082-G-A.
Other names: c.323C>T, p.Ala108Val (NM_152388.4); short protein forms A108V, A116V.
Identifiers: ClinVar variation 1055555 (VCV001055555.7), dbSNP rs759392151, ClinGen allele CA2056514.